The following is an entry in ClinVar:

ClinVar aggregate classification (germline): Uncertain significance (1 of 4 stars; one submission).

Conditions:
Myofibrillar myopathy 6. Identifiers: Orphanet 199340, MedGen C2751831, MONDO:0013061, OMIM 612954.
Dilated cardiomyopathy 1HH (CMD1HH). Identifiers: Orphanet 154, MedGen C3151293, MONDO:0013479, OMIM 613881.

Submission:

Labcorp Genetics (formerly Invitae), Labcorp
Classification: Uncertain significance for Dilated cardiomyopathy 1HH; Myofibrillar myopathy 6. Last evaluated: 2024-06-24. Review status: criteria provided, single submitter. Criteria: Invitae Variant Classification Sherloc (09022015). Collection method: clinical testing. Allele origin: germline.
Comment: This sequence change replaces glutamine, which is neutral and polar, with proline, which is neutral and non-polar, at codon 227 of the BAG3 protein (p.Gln227Pro). This variant is not present in population databases (gnomAD no frequency). This variant has not been reported in the literature in individuals affected with BAG3-related conditions. Advanced modeling of protein sequence and biophysical properties (such as structural, functional, and spatial information, amino acid conservation, physicochemical variation, residue mobility, and thermodynamic stability) performed at Invitae indicates that this missense variant is not expected to disrupt BAG3 protein function with a negative predictive value of 80%. In summary, the available evidence is currently insufficient to determine the role of this variant in disease. Therefore, it has been classified as a Variant of Uncertain Significance.

NM_004281.4(BAG3):c.680A>C (p.Gln227Pro)

Gene: BAG3 (BAG cochaperone 3; plus strand). Cytogenetic location: 10q26.11.
Variant type: single nucleotide variant.
Coding change: c.680A>C on transcript NM_004281.4 (MANE Select); coding-DNA position 680, A replaced by C.
Protein change: p.Gln227Pro; replaces glutamine 227 with proline.
Molecular consequence: missense variant.
Genome position (GRCh38, 1-based): chr10:119,672,427, A>C. VCF-style: chr10-119672427-A-C. GRCh37 (hg19) VCF-style: chr10-121431939-A-C.
Other names: short protein forms Q227P.
Identifiers: ClinVar variation 3749786 (VCV003749786.2).
Genomic context (GRCh38, chr10:119,672,427, plus strand): 5'-CCATTCCGGTGATACACGAGCAGAACGTTACCCGGCCAGCAGCCCAGCCCTCCTTCCACC[A>C]AGCCCAGAAGACGCACTACCCAGCGCAGCAGGGGGAGTACCAGACCCACCAGCCTGTGTA-3'
Protein context (NP_004272.2, residues 217-237): TRPAAQPSFH[Gln227Pro]AQKTHYPAQQ